The following is an entry in ClinVar:

NM_001711.6(BGN):c.909+6A>G

Gene: BGN (biglycan; plus strand). Cytogenetic location: Xq28.
Variant type: single nucleotide variant.
Coding change: c.909+6A>G on transcript NM_001711.6 (MANE Select); 6 bases into the intron after coding-DNA position 909, A replaced by G.
Molecular consequence: intron variant.
Genome position (GRCh38, 1-based): chrX:153,507,191, A>G. VCF-style: chrX-153507191-A-G. GRCh37 (hg19) VCF-style: chrX-152772649-A-G.
Identifiers: ClinVar variation 1517791 (VCV001517791.6), dbSNP rs1482590419, ClinGen allele CA645287217.

ClinVar aggregate classification (germline): Uncertain significance (1 of 4 stars; one submission).

Allele frequency attached by ClinVar (database versions not stated): gnomAD exomes 0.00001; TOPMed 0.00002; gnomAD 0.00005.
gnomAD v4.1: 14 of 1,191,102 alleles (0.0012%); highest among the groups gnomAD compares: African/African-American, 0.021%; no homozygotes.

Submission:

Labcorp Genetics (formerly Invitae), Labcorp
Classification: Uncertain significance. Last evaluated: 2025-05-30. Review status: criteria provided, single submitter. Criteria: Invitae Variant Classification Sherloc (09022015). Collection method: clinical testing. Allele origin: germline.
Comment: This sequence change falls in intron 7 of the BGN gene. It does not directly change the encoded amino acid sequence of the BGN protein. It affects a nucleotide within the consensus splice site. The frequency data for this variant in the population databases is considered unreliable, as metrics indicate poor data quality at this position in the gnomAD database. This variant has not been reported in the literature in individuals affected with BGN-related conditions. ClinVar contains an entry for this variant (Variation ID: 1517791). Variants that disrupt the consensus splice site are a relatively common cause of aberrant splicing (PMID: 17576681, 9536098). Algorithms developed to predict the effect of sequence changes on RNA splicing suggest that this variant is not likely to affect RNA splicing. In summary, the available evidence is currently insufficient to determine the role of this variant in disease. Therefore, it has been classified as a Variant of Uncertain Significance.

Literature cited by the submitters: PubMed 17576681; PubMed 9536098.